The following is an entry in ClinVar:

ClinVar aggregate classification (germline): Conflicting classifications of pathogenicity. Review status: criteria provided, conflicting classifications (1 of 4 stars). 2 submissions from 2 submitters: Uncertain significance (1); Likely benign (1). Last evaluated 2022-12-21.

Conditions:
Inborn genetic diseases. Identifiers: MedGen C0950123, MeSH D030342.

Allele frequency attached by ClinVar (database versions not stated): ExAC 0.00001; gnomAD 0.00001; gnomAD exomes 0.00001 and 0.00002; TOPMed 0.00001.
gnomAD v4.1: 23 of 1,613,756 alleles (0.0014%); highest among the groups gnomAD compares: South Asian, 0.0044%; no homozygotes.

Submissions (2):

Ambry Genetics
Classification: Likely benign for Inborn genetic diseases. Last evaluated: 2022-12-21. Review status: criteria provided, single submitter. Criteria: Ambry Variant Classification Scheme 2023. Collection method: clinical testing. Allele origin: germline.

Labcorp Genetics (formerly Invitae), Labcorp
Classification: Uncertain significance. Last evaluated: 2022-07-12. Review status: criteria provided, single submitter. Criteria: Invitae Variant Classification Sherloc (09022015). Collection method: clinical testing. Allele origin: germline.
Comment: This sequence change replaces isoleucine, which is neutral and non-polar, with valine, which is neutral and non-polar, at codon 309 of the MYSM1 protein (p.Ile309Val). This variant is present in population databases (rs770840414, gnomAD 0.008%). This variant has not been reported in the literature in individuals affected with MYSM1-related conditions. ClinVar contains an entry for this variant (Variation ID: 1378284). Algorithms developed to predict the effect of missense changes on protein structure and function output the following: SIFT: "Tolerated"; PolyPhen-2: "Benign"; Align-GVGD: "Class C0". The valine amino acid residue is found in multiple mammalian species, which suggests that this missense change does not adversely affect protein function. In summary, the available evidence is currently insufficient to determine the role of this variant in disease. Therefore, it has been classified as a Variant of Uncertain Significance.

NM_001085487.3(MYSM1):c.925A>G (p.Ile309Val)

Gene: MYSM1 (Myb like, SWIRM and MPN domains 1; minus strand). Cytogenetic location: 1p32.1.
Variant type: single nucleotide variant.
Coding change: c.925A>G on transcript NM_001085487.3 (MANE Select); coding-DNA position 925, A replaced by G.
Protein change: p.Ile309Val; replaces isoleucine 309 with valine.
Molecular consequence: missense variant.
Genome position (GRCh38, 1-based): chr1:58,682,119, T>C on the plus strand (A>G on the coding strand, the complement: MYSM1 is on the minus strand). VCF-style: chr1-58682119-T-C. GRCh37 (hg19) VCF-style: chr1-59147791-T-C.
Other names: c.925A>G (NM_001085487.2); short protein forms I309V.
Identifiers: ClinVar variation 1378284 (VCV001378284.4), dbSNP rs770840414, ClinGen allele CA877934.